The following is an entry in ClinVar:

NM_000719.7(CACNA1C):c.5252C>G (p.Ser1751Cys)

Genes: CACNA1C (calcium voltage-gated channel subunit alpha1 C; plus strand), CACNA1C-AS1 (CACNA1C antisense RNA 1; minus strand). Cytogenetic location: 12p13.33.
Variant type: single nucleotide variant.
Coding change: c.5252C>G on transcript NM_000719.7 (MANE Select); coding-DNA position 5252, C replaced by G.
Protein change: p.Ser1751Cys; replaces serine 1751 with cysteine.
Molecular consequence: missense variant.
Genome position (GRCh38, 1-based): chr12:2,679,604, C>G. VCF-style: chr12-2679604-C-G. GRCh37 (hg19) VCF-style: chr12-2788770-C-G.
Other names: c.5252C>G (NM_000719.6); c.5396C>G, p.Ser1799Cys (NM_001129827.2, NM_199460.4); c.5375C>G, p.Ser1792Cys (NM_001129829.2); c.5252C>G, p.Ser1751Cys (NM_001129830.3, NM_001129840.2, NM_001129841.2 and 4 more transcripts); c.5336C>G, p.Ser1779Cys (NM_001129831.2); c.5312C>G, p.Ser1771Cys (NM_001129832.2); c.5309C>G, p.Ser1770Cys (NM_001129833.2, NM_001129834.2, NM_001129835.2); c.5303C>G, p.Ser1768Cys (NM_001129836.2); and 4 more; short protein forms S1759C, S1770C, S1792C, S1799C, S1740C, S1751C, S1757C, S1779C.
Identifiers: ClinVar variation 1361724 (VCV001361724.9), dbSNP rs2153803516, ClinGen allele CA383378822.

ClinVar aggregate classification (germline): Uncertain significance. Review status: criteria provided, multiple submitters, no conflicts (2 of 4 stars). 2 submissions from 2 submitters: Uncertain significance (2). Last evaluated 2024-11-09.

Conditions:
Long QT syndrome (LQTS). Identifiers: MedGen C0023976, MeSH D008133, MONDO:0002442. Disease mechanism: loss of function. Inheritance: Various modes of inheritance.
Cardiovascular phenotype. Identifiers: MedGen CN230736.

Submissions (2):

Ambry Genetics
Classification: Uncertain significance for Cardiovascular phenotype. Last evaluated: 2024-11-09. Review status: criteria provided, single submitter. Criteria: Ambry Variant Classification Scheme 2023. Collection method: clinical testing. Allele origin: germline.
Comment: The p.S1751C variant (also known as c.5252C>G), located in coding exon 42 of the CACNA1C gene, results from a C to G substitution at nucleotide position 5252. The serine at codon 1751 is replaced by cysteine, an amino acid with dissimilar properties. This amino acid position is highly conserved in available vertebrate species. In addition, this alteration is predicted to be deleterious by in silico analysis. Based on the available evidence, the clinical significance of this variant remains unclear.

Labcorp Genetics (formerly Invitae), Labcorp
Classification: Uncertain significance for Long QT syndrome. Last evaluated: 2021-06-16. Review status: criteria provided, single submitter. Criteria: Invitae Variant Classification Sherloc (09022015). Collection method: clinical testing. Allele origin: germline.
Comment: In summary, the available evidence is currently insufficient to determine the role of this variant in disease. Therefore, it has been classified as a Variant of Uncertain Significance. This sequence change replaces serine with cysteine at codon 1751 of the CACNA1C protein (p.Ser1751Cys). The serine residue is moderately conserved and there is a moderate physicochemical difference between serine and cysteine. This variant is not present in population databases (ExAC no frequency). This variant has not been reported in the literature in individuals with CACNA1C-related conditions. Algorithms developed to predict the effect of missense changes on protein structure and function are either unavailable or do not agree on the potential impact of this missense change (SIFT: "Tolerated"; PolyPhen-2: "Probably Damaging"; Align-GVGD: "Class C0").